The following is an entry in ClinVar:

ClinVar aggregate classification (germline): Likely pathogenic (1 of 4 stars; one submission).

Conditions:
Neuronal ceroid lipofuscinosis. Also called: Neuronal Ceroid Lipofuscinoses. Identifiers: Orphanet 216, Orphanet 79263, MedGen C0027877, MONDO:0016295. Disease mechanism: loss of function.

Submission:

Myriad Genetics, Inc.
Classification: Likely pathogenic for Neuronal ceroid lipofuscinosis. Last evaluated: 2020-03-08. Review status: criteria provided, single submitter. Criteria: Myriad Autosomal Dominant, Autosomal Recessive and X-Linked Classification Criteria (2023). Collection method: clinical testing. Allele origin: unknown.
Comment: NM_017882.2(CLN6):c.499G>T(E167*) is expected to be pathogenic in the context of CLN6-related neuronal ceroid lipofuscinosis. This variant is predicted to lead to an abnormal or absent protein product due to the creation of a premature termination codon in CLN6, a gene where loss-of-function variants are known to be pathogenic. Please note: this variant was assessed in the context of healthy population screening.

NM_017882.3(CLN6):c.499G>T (p.Glu167Ter)

Gene: CLN6 (CLN6 transmembrane ER protein; minus strand). Cytogenetic location: 15q23.
Variant type: single nucleotide variant.
Coding change: c.499G>T on transcript NM_017882.3 (MANE Select); coding-DNA position 499, G replaced by T.
Protein change: p.Glu167Ter; replaces glutamic acid 167 with a stop codon.
Molecular consequence: nonsense.
Genome position (GRCh38, 1-based): chr15:68,211,306, C>A on the plus strand (G>T on the coding strand, the complement: CLN6 is on the minus strand). VCF-style: chr15-68211306-C-A. GRCh37 (hg19) VCF-style: chr15-68503644-C-A.
Other names: short protein forms E167*.
Identifiers: ClinVar variation 984028 (VCV000984028.4), dbSNP rs2093204342, ClinGen allele CA392973205.
Genomic context (GRCh38, chr15:68,211,306, plus strand): 5'-ATGGGCCCATCACTCACCACATGCAGTGACCCAGGTACTCATCATAATAGTAGAGCAGCT[C>A]AAAGGAGTCGATCTGAGGGAGGAACGGGCAGGGCAGAGTCGGGGGATGTCGATGTCAGTC-3'